The following is an entry in ClinVar:

ClinVar aggregate classification (germline): Likely benign (1 of 4 stars; one submission).

Conditions:
Leigh syndrome (NULS). Also called: Leigh's necrotizing encephalopathy; Leigh's disease; Leigh Syndrome (mtDNA deletion); Leigh Disease; Subacute necrotizing encephalopathy; Necrotizing encephalopathy infantile subacute of Leigh. Identifiers: Orphanet 506, MedGen C2931891, MONDO:0009723, OMIM 256000.

Submission:

Wong Mito Lab, Molecular and Human Genetics, Baylor College of Medicine
Classification: Likely benign for Leigh syndrome. Last evaluated: 2019-10-17. Review status: criteria provided, single submitter. Criteria: Modified ACMG Guidelines (Unpublished). Collection method: clinical testing. Allele origin: germline.
Comment: The NC_012920.1:m.3385A>G (YP_003024026.1:p.Ile27Val) variant in MTND1 gene is interpretated to be a Likely Benign variant based on the modified ACMG guidelines (unpublished). This variant meets the following evidence codes: BS1, BP4

NC_012920.1(MT-ND1):m.3385A>G

Gene: MT-ND1 (mitochondrially encoded NADH dehydrogenase 1; plus strand).
Variant type: single nucleotide variant.
Genome position: chrM-3385-A-G.
Identifiers: ClinVar variation 692347 (VCV000692347.1), dbSNP rs879050714, ClinGen allele CA337096520.
Genomic context (GRCh38, chrMT:3,385, plus strand): 5'-CTACTCCTCATTGTACCCATTCTAATCGCAATGGCATTCCTAATGCTTACCGAACGAAAA[A>G]TTCTAGGCTATATACAACTACGCAAAGGCCCCAACGTTGTAGGCCCCTACGGGCTACTAC-3'